The following is an entry in ClinVar:

NM_002184.4(IL6ST):c.32C>A (p.Ala11Asp)

Gene: IL6ST (interleukin 6 cytokine family signal transducer; minus strand). Cytogenetic location: 5q11.2.
Variant type: single nucleotide variant.
Coding change: c.32C>A on transcript NM_002184.4 (MANE Select); coding-DNA position 32, C replaced by A.
Protein change: p.Ala11Asp; replaces alanine 11 with aspartic acid.
Molecular consequence: missense variant. On other transcripts: 5 prime UTR variant (3), non-coding transcript variant (2).
Genome position (GRCh38, 1-based): chr5:55,976,247, G>T on the plus strand (C>A on the coding strand, the complement: IL6ST is on the minus strand). VCF-style: chr5-55976247-G-T. GRCh37 (hg19) VCF-style: chr5-55272075-G-T.
Other names: c.32C>A, p.Ala11Asp (NM_001190981.2, NM_001364275.2, NM_001364276.2 and 1 more transcripts); c.-761C>A (NM_001364277.2, NM_001364279.2); c.-751C>A (NM_001364278.2); short protein forms A11D.
Identifiers: ClinVar variation 1478740 (VCV001478740.6), dbSNP rs778516584, ClinGen allele CA359772548.

ClinVar aggregate classification (germline): Uncertain significance (1 of 4 stars; one submission).

Submission:

Labcorp Genetics (formerly Invitae), Labcorp
Classification: Uncertain significance. Last evaluated: 2021-07-29. Review status: criteria provided, single submitter. Criteria: Invitae Variant Classification Sherloc (09022015). Collection method: clinical testing. Allele origin: germline.
Comment: In summary, the available evidence is currently insufficient to determine the role of this variant in disease. Therefore, it has been classified as a Variant of Uncertain Significance. Algorithms developed to predict the effect of missense changes on protein structure and function are either unavailable or do not agree on the potential impact of this missense change (SIFT: "Deleterious"; PolyPhen-2: "Benign"; Align-GVGD: "Class C0"). This variant has not been reported in the literature in individuals affected with IL6ST-related conditions. This variant is not present in population databases (ExAC no frequency). This sequence change replaces alanine with aspartic acid at codon 11 of the IL6ST protein (p.Ala11Asp). The alanine residue is moderately conserved and there is a moderate physicochemical difference between alanine and aspartic acid.